The following is an entry in ClinVar:

ClinVar aggregate classification (germline): Uncertain significance (1 of 4 stars; one submission).

Conditions:
Hereditary cancer-predisposing syndrome. Also called: Neoplastic Syndromes, Hereditary; Tumor predisposition; Hereditary neoplastic syndrome; Hereditary Cancer Syndrome. Identifiers: Orphanet 140162, MedGen C0027672, MeSH D009386, MONDO:0015356.

Submission:

Ambry Genetics
Classification: Uncertain significance for Hereditary cancer-predisposing syndrome. Last evaluated: 2026-06-15. Review status: criteria provided, single submitter. Criteria: Ambry Variant Classification Scheme 2023. Collection method: clinical testing. Allele origin: germline.
Comment: The p.V110A variant (also known as c.329T>C), located in coding exon 3 of the NF2 gene, results from a T to C substitution at nucleotide position 329. The valine at codon 110 is replaced by alanine, an amino acid with similar properties. This amino acid position is conserved. In addition, the in silico prediction for this alteration is inconclusive. Based on the available evidence, the clinical significance of this variant remains unclear.

NM_000268.4(NF2):c.329T>C (p.Val110Ala)

Gene: NF2 (NF2, moesin-ezrin-radixin like (MERLIN) tumor suppressor; plus strand). Cytogenetic location: 22q12.2.
Variant type: single nucleotide variant.
Coding change: c.329T>C on transcript NM_000268.4 (MANE Select); coding-DNA position 329, T replaced by C.
Protein change: p.Val110Ala; replaces valine 110 with alanine.
Molecular consequence: missense variant. On other transcripts: 5 prime UTR variant (1), intron variant (8).
Genome position (GRCh38, 1-based): chr22:29,639,178, T>C. VCF-style: chr22-29639178-T-C. GRCh37 (hg19) VCF-style: chr22-30035167-T-C.
Other names: c.215T>C, p.Val72Ala (NM_001407053.1, NM_001407056.1); c.203T>C, p.Val68Ala (NM_001407055.1, NM_181828.3); c.329T>C, p.Val110Ala (NM_001407057.1, NM_001407059.1, NM_001407060.1 and 5 more transcripts); c.-312T>C (NM_001407065.1); c.98T>C, p.Val33Ala (NM_001407067.1); c.240+2302T>C (NM_001407058.1, NM_181829.3, NM_001407054.1 and 1 more transcripts); c.115-3024T>C (NM_001407063.1, NM_181830.3, NM_001407064.1 and 1 more transcripts); short protein forms V110A, V33A, V68A, V72A.
Identifiers: ClinVar variation 5025677 (VCV005025677.1).